The following is an entry in ClinVar:

NM_000052.7(ATP7A):c.327G>A (p.Lys109=)

Gene: ATP7A (ATPase copper transporting alpha; plus strand). Cytogenetic location: Xq21.1.
Variant type: single nucleotide variant.
Coding change: c.327G>A on transcript NM_000052.7 (MANE Select); coding-DNA position 327, G replaced by A.
Protein change: p.Lys109=; no amino-acid change (lysine 109 retained).
Molecular consequence: synonymous variant.
Genome position (GRCh38, 1-based): chrX:77,988,448, G>A. VCF-style: chrX-77988448-G-A. GRCh37 (hg19) VCF-style: chrX-77243944-G-A.
Other names: p.Lys109=; c.327G>A, p.Lys109= (NM_001282224.2).
Identifiers: ClinVar variation 287259 (VCV000287259.35), dbSNP rs61747968, ClinGen allele CA10458910.

ClinVar aggregate classification (germline): Benign/Likely benign. Review status: criteria provided, multiple submitters, no conflicts (2 of 4 stars). 14 submissions from 14 submitters: Benign (8); Likely benign (1). 5 of the submissions do not count toward it. Last evaluated 2026-02-04.

Conditions:
Ehlers-Danlos syndrome (EDS). Identifiers: Orphanet 98249, MedGen C0013720, MONDO:0020066.
Inborn genetic diseases. Identifiers: MedGen C0950123, MeSH D030342.
ATP7A-related disorder. Also called: ATP7A-related condition.
X-linked distal spinal muscular atrophy type 3. Also called: ATP7A-Related Distal Motor Neuropathy; NEURONOPATHY, DISTAL HEREDITARY MOTOR, X-LINKED; NEUROPATHY, DISTAL HEREDITARY MOTOR, X-LINKED; SPINAL MUSCULAR ATROPHY, DISTAL, X-LINKED RECESSIVE. Identifiers: Orphanet 139557, MedGen C1845359, MONDO:0010338, OMIM 300489.
Cutis laxa, X-linked (OHS). Also called: EDS IX; Occipital horn syndrome. Identifiers: Orphanet 198, MedGen C0268353, MONDO:0010572, OMIM 304150.
Menkes kinky-hair syndrome (MNK). Also called: Menkes Disease; Copper transport disease; Classic Menkes Disease. Identifiers: Orphanet 565, MedGen C0022716, MONDO:0010651, OMIM 309400.

Allele frequency attached by ClinVar (database versions not stated): 1000 Genomes Project 30x 0.00229; 1000 Genomes Project 0.00291; TOPMed 0.00837; gnomAD 0.00978 and 0.00980; gnomAD exomes 0.01013 and 0.01347; ExAC 0.01081; ESP Exome Variant Server 0.01118.

Submissions (14):

Labcorp Genetics (formerly Invitae), Labcorp
Classification: Benign for X-linked distal spinal muscular atrophy type 3; Cutis laxa, X-linked; Menkes kinky-hair syndrome. Last evaluated: 2026-02-04. Review status: criteria provided, single submitter. Criteria: Invitae Variant Classification Sherloc (09022015). Collection method: clinical testing. Allele origin: germline.

ARUP Laboratories, Molecular Genetics and Genomics, ARUP Laboratories
Classification: Benign. Last evaluated: 2025-05-21. Review status: criteria provided, single submitter. Criteria: ARUP Molecular Germline Variant Investigation Process 2024. Collection method: clinical testing. Allele origin: germline.

Blueprint Genetics
Classification: Likely benign. Last evaluated: 2024-11-27. Review status: criteria provided, single submitter. Criteria: ACMG Guidelines, 2015. Collection method: clinical testing. Allele origin: germline.

Mayo Clinic Laboratories, Mayo Clinic
Classification: Benign. Last evaluated: 2022-08-19. Review status: criteria provided, single submitter. Criteria: ACMG Guidelines, 2015. Collection method: clinical testing. Allele origin: germline. Observed: 157 variant alleles.

Genome Diagnostics Laboratory, The Hospital for Sick Children
Classification: Benign for Ehlers-Danlos syndrome. Last evaluated: 2022-06-17. Review status: criteria provided, single submitter. Criteria: ACMG Guidelines, 2015. Collection method: clinical testing. Allele origin: germline.

Eurofins Ntd Llc (ga)
Classification: Benign. Last evaluated: 2016-03-31. Review status: criteria provided, single submitter. Criteria: EGL Classification Definitions 2015. Collection method: clinical testing. Allele origin: germline. Observed: 1 variant allele, 1 heterozygote.

GeneDx
Classification: Benign. Last evaluated: 2015-03-03. Review status: criteria provided, single submitter. Criteria: GeneDx Variant Classification Process June 2021. Collection method: clinical testing. Allele origin: germline. Affected: yes.

Ambry Genetics
Classification: Benign for Inborn genetic diseases. Last evaluated: 2014-06-10. Review status: criteria provided, single submitter. Criteria: Ambry Variant Classification Scheme 2023. Collection method: clinical testing. Allele origin: germline.

Breakthrough Genomics
Classification: Benign. Review status: criteria provided, single submitter. Criteria: ACMG Guidelines, 2015. Collection method: not provided. Allele origin: germline. Inheritance: X-linked inheritance. Affected: yes.

Natera, Inc.
Classification: Benign for Distal spinal muscular atrophy, X-linked 3; Cutis laxa, X-linked; Menkes kinky-hair syndrome. Last evaluated: 2020-09-16. Review status: no assertion criteria provided. Collection method: clinical testing. Allele origin: germline. Not counted in ClinVar's aggregate classification.

PreventionGenetics, part of Exact Sciences
Classification: Benign for ATP7A-related condition. Last evaluated: 2019-10-30. Review status: no assertion criteria provided. Collection method: clinical testing. Allele origin: germline. Not counted in ClinVar's aggregate classification.
Comment: This variant is classified as benign based on ACMG/AMP sequence variant interpretation guidelines (Richards et al. 2015 PMID: 25741868, with internal and published modifications).

Clinical Genetics DNA and cytogenetics Diagnostics Lab, Erasmus MC, Erasmus Medical Center
Classification: Benign. Review status: no assertion criteria provided. Collection method: clinical testing. Allele origin: germline. Affected: yes. Study: VKGL Data-share Consensus. Not counted in ClinVar's aggregate classification.

Clinical Genetics, Academic Medical Center
Classification: Benign. Review status: no assertion criteria provided. Collection method: clinical testing. Allele origin: germline. Affected: yes. Study: VKGL Data-share Consensus. Not counted in ClinVar's aggregate classification.

Genome Diagnostics Laboratory, Amsterdam University Medical Center
Classification: Benign. Review status: no assertion criteria provided. Collection method: clinical testing. Allele origin: germline. Affected: yes. Study: VKGL Data-share Consensus. Not counted in ClinVar's aggregate classification.